The following is an entry in ClinVar:

ClinVar aggregate classification (germline): Uncertain significance. Review status: criteria provided, multiple submitters, no conflicts (2 of 4 stars). 2 submissions from 2 submitters: Uncertain significance (2). Last evaluated 2025-04-08.

Conditions:
Inborn genetic diseases. Identifiers: MedGen C0950123, MeSH D030342.

Allele frequency attached by ClinVar (database versions not stated): gnomAD exomes 0.00001; TOPMed 0.00001; gnomAD 0.00002; 1000 Genomes Project 30x 0.00016.
gnomAD v4.1: 21 of 1,519,764 alleles (0.0014%); highest among the groups gnomAD compares: East Asian, 0.0026%; no homozygotes.

Submissions (2):

Labcorp Genetics (formerly Invitae), Labcorp
Classification: Uncertain significance. Last evaluated: 2025-04-08. Review status: criteria provided, single submitter. Criteria: Invitae Variant Classification Sherloc (09022015). Collection method: clinical testing. Allele origin: germline.
Comment: This sequence change replaces proline, which is neutral and non-polar, with leucine, which is neutral and non-polar, at codon 423 of the SPEG protein (p.Pro423Leu). This variant is present in population databases (no rsID available, gnomAD 0.005%). This variant has not been reported in the literature in individuals affected with SPEG-related conditions. ClinVar contains an entry for this variant (Variation ID: 1923189). Invitae Evidence Modeling of protein sequence and biophysical properties (such as structural, functional, and spatial information, amino acid conservation, physicochemical variation, residue mobility, and thermodynamic stability) indicates that this missense variant is expected to disrupt SPEG protein function with a positive predictive value of 95%. In summary, the available evidence is currently insufficient to determine the role of this variant in disease. Therefore, it has been classified as a Variant of Uncertain Significance.

Ambry Genetics
Classification: Uncertain significance for Inborn genetic diseases. Last evaluated: 2023-02-27. Review status: criteria provided, single submitter. Criteria: Ambry Variant Classification Scheme 2023. Collection method: clinical testing. Allele origin: germline.

NM_005876.5(SPEG):c.1268C>T (p.Pro423Leu)

Gene: SPEG (striated muscle enriched protein kinase; plus strand). Cytogenetic location: 2q35.
Variant type: single nucleotide variant.
Coding change: c.1268C>T on transcript NM_005876.5 (MANE Select); coding-DNA position 1268, C replaced by T.
Protein change: p.Pro423Leu; replaces proline 423 with leucine.
Molecular consequence: missense variant.
Genome position (GRCh38, 1-based): chr2:219,448,426, C>T. VCF-style: chr2-219448426-C-T. GRCh37 (hg19) VCF-style: chr2-220313148-C-T.
Other names: c.1268C>T (NM_005876.4); short protein forms P423L.
Identifiers: ClinVar variation 1923189 (VCV001923189.7), dbSNP rs1303180441, ClinGen allele CA350718182.